The following is an entry in ClinVar:

ClinVar aggregate classification (germline): Uncertain significance (1 of 4 stars; one submission).

Allele frequency attached by ClinVar (database versions not stated): TOPMed 0.00001.
gnomAD v4.1: 7 of 1,203,748 alleles (0.00058%); highest among the groups gnomAD compares: Non-Finnish European, 0.00078%; no homozygotes.

Submission:

Labcorp Genetics (formerly Invitae), Labcorp
Classification: Uncertain significance. Last evaluated: 2022-03-20. Review status: criteria provided, single submitter. Criteria: Invitae Variant Classification Sherloc (09022015). Collection method: clinical testing. Allele origin: germline.
Comment: This sequence change replaces alanine, which is neutral and non-polar, with glycine, which is neutral and non-polar, at codon 454 of the NYX protein (p.Ala454Gly). This variant is not present in population databases (gnomAD no frequency). This variant has not been reported in the literature in individuals affected with NYX-related conditions. Algorithms developed to predict the effect of missense changes on protein structure and function (SIFT, PolyPhen-2, Align-GVGD) all suggest that this variant is likely to be tolerated. In summary, the available evidence is currently insufficient to determine the role of this variant in disease. Therefore, it has been classified as a Variant of Uncertain Significance.

NM_001378477.3(NYX):c.1346C>G (p.Ala449Gly)

Gene: NYX (nyctalopin; plus strand). Cytogenetic location: Xp11.4.
Variant type: single nucleotide variant.
Coding change: c.1346C>G on transcript NM_001378477.3 (MANE Select); coding-DNA position 1346, C replaced by G.
Protein change: p.Ala449Gly; replaces alanine 449 with glycine.
Molecular consequence: missense variant.
Genome position (GRCh38, 1-based): chrX:41,474,814, C>G. VCF-style: chrX-41474814-C-G. GRCh37 (hg19) VCF-style: chrX-41334067-C-G.
Other names: c.1346C>G, p.Ala449Gly (NM_022567.3); short protein forms A449G.
Identifiers: ClinVar variation 2106113 (VCV002106113.4), dbSNP rs2064384073, ClinGen allele CA412993656.
Genomic context (GRCh38, chrX:41,474,814, plus strand): 5'-CTGGGGGGCTGGCCAACGCCTCCCTGTCCGACAGCCTCTCCTCCCGTGGGGTGGGAGGCG[C>G]GGGCCGGCAGCCCTGGTTTCTCCTCGCCTCTTGTCTCCTGCCCAGCGTGGCCCAGCACGT-3'
Protein context (NP_001365406.2, residues 439-459): DSLSSRGVGG[Ala449Gly]GRQPWFLLAS